The following is an entry in ClinVar:

NM_004360.5(CDH1):c.1692A>C (p.Leu564=)

Gene: CDH1 (cadherin 1; plus strand). Cytogenetic location: 16q22.1.
Variant type: single nucleotide variant.
Coding change: c.1692A>C on transcript NM_004360.5 (MANE Select); coding-DNA position 1692, A replaced by C.
Protein change: p.Leu564=; no amino-acid change (leucine 564 retained).
Molecular consequence: synonymous variant. On other transcripts: intron variant (1).
Genome position (GRCh38, 1-based): chr16:68,819,406, A>C. VCF-style: chr16-68819406-A-C. GRCh37 (hg19) VCF-style: chr16-68853309-A-C.
Other names: c.1509A>C, p.Leu503= (NM_001317184.2); c.144A>C, p.Leu48= (NM_001317185.2); c.-254-2595A>C (NM_001317186.2); c.1692A>C (NM_004360.3).
Identifiers: ClinVar variation 491508 (VCV000491508.8), dbSNP rs1060504168, ClinGen allele CA496154419.

ClinVar aggregate classification (germline): Benign/Likely benign. Review status: criteria provided, multiple submitters, no conflicts (2 of 4 stars). 4 submissions from 4 submitters: Benign (1); Likely benign (3). Last evaluated 2024-09-30.

Conditions:
Hereditary cancer-predisposing syndrome. Also called: Tumor predisposition; Neoplastic Syndromes, Hereditary; Hereditary Cancer Syndrome; Hereditary neoplastic syndrome. Identifiers: Orphanet 140162, MedGen C0027672, MeSH D009386, MONDO:0015356.
Hereditary diffuse gastric adenocarcinoma (HDGC). Also called: DIFFUSE GASTRIC AND LOBULAR BREAST CANCER SYNDROME. Identifiers: Orphanet 26106, MedGen C1708349, MONDO:0007648, OMIM 137215.

gnomAD v4.1: 1 of 1,613,626 alleles (0.000062%); highest among the groups gnomAD compares: Non-Finnish European, 0.000085%; no homozygotes.

Submissions (4):

Ambry Genetics
Classification: Likely benign for Hereditary cancer-predisposing syndrome. Last evaluated: 2024-09-30. Review status: criteria provided, single submitter. Criteria: Ambry Variant Classification Scheme 2023. Collection method: clinical testing. Allele origin: germline.

Myriad Genetics, Inc.
Classification: Benign for Hereditary diffuse gastric adenocarcinoma. Last evaluated: 2024-09-19. Review status: criteria provided, single submitter. Criteria: Myriad Autosomal Dominant, Autosomal Recessive and X-Linked Classification Criteria (2023). Collection method: clinical testing. Allele origin: unknown.
Comment: This variant is considered benign. This variant is a silent/synonymous amino acid change and it is not expected to impact splicing.

Labcorp Genetics (formerly Invitae), Labcorp
Classification: Likely benign for Hereditary diffuse gastric adenocarcinoma. Last evaluated: 2022-11-09. Review status: criteria provided, single submitter. Criteria: Invitae Variant Classification Sherloc (09022015). Collection method: clinical testing. Allele origin: germline.

Color Diagnostics, LLC DBA Color Health
Classification: Likely benign for Hereditary cancer-predisposing syndrome. Last evaluated: 2017-04-06. Review status: criteria provided, single submitter. Criteria: ACMG Guidelines, 2015. Collection method: clinical testing. Allele origin: germline.